The following is an entry in ClinVar:

ClinVar aggregate classification (germline): Uncertain significance (1 of 4 stars; one submission).

Conditions:
Cardiovascular phenotype. Identifiers: MedGen CN230736.

gnomAD v4.1: 2 of 1,613,008 alleles (0.00012%); highest among the groups gnomAD compares: Non-Finnish European, 0.000085%; no homozygotes.

Submission:

Ambry Genetics
Classification: Uncertain significance for Cardiovascular phenotype. Last evaluated: 2025-04-30. Review status: criteria provided, single submitter. Criteria: Ambry Variant Classification Scheme 2023. Collection method: clinical testing. Allele origin: germline.
Comment: The p.G547V variant (also known as c.1640G>T), located in coding exon 11 of the SCN10A gene, results from a G to T substitution at nucleotide position 1640. The glycine at codon 547 is replaced by valine, an amino acid with dissimilar properties. This amino acid position is conserved. In addition, this alteration is predicted to be tolerated by in silico analysis. Based on the available evidence, the clinical significance of this variant remains unclear.

NM_006514.4(SCN10A):c.1640G>T (p.Gly547Val)

Gene: SCN10A (sodium voltage-gated channel alpha subunit 10; minus strand). Cytogenetic location: 3p22.2.
Variant type: single nucleotide variant.
Coding change: c.1640G>T on transcript NM_006514.4 (MANE Select); coding-DNA position 1640, G replaced by T.
Protein change: p.Gly547Val; replaces glycine 547 with valine.
Molecular consequence: missense variant. On other transcripts: intron variant (1).
Genome position (GRCh38, 1-based): chr3:38,752,334, C>A on the plus strand (G>T on the coding strand, the complement: SCN10A is on the minus strand). VCF-style: chr3-38752334-C-A. GRCh37 (hg19) VCF-style: chr3-38793825-C-A.
Other names: c.1640G>T, p.Gly547Val (NM_001293306.2); c.1462-2150G>T (NM_001293307.2); short protein forms G547V.
Identifiers: ClinVar variation 3950867 (VCV003950867.1).